The following is an entry in ClinVar:

ClinVar aggregate classification (germline): Uncertain significance (1 of 4 stars; one submission).

Submission:

GeneDx
Classification: Uncertain significance. Last evaluated: 2019-04-25. Review status: criteria provided, single submitter. Criteria: GeneDx Variant Classification Process June 2021. Collection method: clinical testing. Allele origin: germline. Affected: yes.
Comment: Not observed in large population cohorts (Lek et al., 2016); In silico analysis, which includes protein predictors and evolutionary conservation, supports a deleterious effect; Has not been previously published as pathogenic or benign to our knowledge; Variants in candidate genes are classified as variants of uncertain significance in accordance with ACMG guidelines (Richards et al., 2015)

NM_001330723.2(SNX27):c.722A>G (p.Glu241Gly)

Gene: SNX27 (sorting nexin 27; plus strand). Cytogenetic location: 1q21.3.
Variant type: single nucleotide variant.
Coding change: c.722A>G on transcript NM_001330723.2 (MANE Select); coding-DNA position 722, A replaced by G.
Protein change: p.Glu241Gly; replaces glutamic acid 241 with glycine.
Molecular consequence: missense variant.
Genome position (GRCh38, 1-based): chr1:151,658,413, A>G. VCF-style: chr1-151658413-A-G. GRCh37 (hg19) VCF-style: chr1-151630889-A-G.
Other names: c.722A>G, p.Glu241Gly (NM_030918.6); short protein forms E241G.
Identifiers: ClinVar variation 1305032 (VCV001305032.2), dbSNP rs2102677079, ClinGen allele CA341959455.